The following is an entry in ClinVar:

ClinVar aggregate classification (germline): Uncertain significance. Review status: criteria provided, multiple submitters, no conflicts (2 of 4 stars). 2 submissions from 2 submitters: Uncertain significance (2). Last evaluated 2025-08-07.

Conditions:
Hereditary cancer-predisposing syndrome. Also called: Tumor predisposition; Hereditary neoplastic syndrome; Neoplastic Syndromes, Hereditary; Hereditary Cancer Syndrome. Identifiers: Orphanet 140162, MedGen C0027672, MeSH D009386, MONDO:0015356.
Bloom syndrome (BLM). Also called: Bloom-Torre-Machacek syndrome. Identifiers: Orphanet 125, MedGen C0005859, MONDO:0008876, OMIM 210900.

Allele frequency attached by ClinVar (database versions not stated): gnomAD exomes 0.00002.
gnomAD v4.1: 21 of 1,547,474 alleles (0.0014%); highest among the groups gnomAD compares: Non-Finnish European, 0.0018%; no homozygotes.

Submissions (2):

Labcorp Genetics (formerly Invitae), Labcorp
Classification: Uncertain significance for Bloom syndrome. Last evaluated: 2025-08-07. Review status: criteria provided, single submitter. Criteria: Invitae Variant Classification Sherloc (09022015). Collection method: clinical testing. Allele origin: germline.
Comment: This sequence change replaces serine, which is neutral and polar, with arginine, which is basic and polar, at codon 577 of the BLM protein (p.Ser577Arg). This variant is present in population databases (rs761955701, gnomAD 0.003%). This variant has not been reported in the literature in individuals affected with BLM-related conditions. ClinVar contains an entry for this variant (Variation ID: 1428669). Invitae Evidence Modeling of protein sequence and biophysical properties (such as structural, functional, and spatial information, amino acid conservation, physicochemical variation, residue mobility, and thermodynamic stability) indicates that this missense variant is not expected to disrupt BLM protein function with a negative predictive value of 80%. RNA analysis performed to evaluate the impact of this missense change on mRNA splicing indicates it does not significantly alter splicing (internal data). In summary, the available evidence is currently insufficient to determine the role of this variant in disease. Therefore, it has been classified as a Variant of Uncertain Significance.

Ambry Genetics
Classification: Uncertain significance for Hereditary cancer-predisposing syndrome. Last evaluated: 2025-08-04. Review status: criteria provided, single submitter. Criteria: Ambry Variant Classification Scheme 2023. Collection method: clinical testing. Allele origin: germline.
Comment: The p.S577R variant (also known as c.1729A>C), located in coding exon 6 of the BLM gene, results from an A to C substitution at nucleotide position 1729. The serine at codon 577 is replaced by arginine, an amino acid with dissimilar properties. This amino acid position is not well conserved in available vertebrate species. In addition, this alteration is predicted to be tolerated by in silico analysis. Since supporting evidence is limited at this time, the clinical significance of this alteration remains unclear.

NM_000057.4(BLM):c.1729A>C (p.Ser577Arg)

Gene: BLM (BLM RecQ like helicase; plus strand). Cytogenetic location: 15q26.1.
Variant type: single nucleotide variant.
Coding change: c.1729A>C on transcript NM_000057.4 (MANE Select); coding-DNA position 1729, A replaced by C.
Protein change: p.Ser577Arg; replaces serine 577 with arginine.
Molecular consequence: missense variant.
Genome position (GRCh38, 1-based): chr15:90,761,102, A>C. VCF-style: chr15-90761102-A-C. GRCh37 (hg19) VCF-style: chr15-91304332-A-C.
Other names: c.1729A>C, p.Ser577Arg (NM_001287246.2, NM_001287247.2); c.604A>C, p.Ser202Arg (NM_001287248.2); short protein forms S202R, S577R.
Identifiers: ClinVar variation 1428669 (VCV001428669.11), dbSNP rs761955701, ClinGen allele CA7738578.